The following is an entry in ClinVar:

NM_178857.6(RP1L1):c.4662C>G (p.Asp1554Glu)

Gene: RP1L1 (RP1 like 1). Cytogenetic location: 8p23.1.
Variant type: single nucleotide variant.
Coding change: c.4662C>G on transcript NM_178857.6 (MANE Select); coding-DNA position 4662, C replaced by G.
Protein change: p.Asp1554Glu; replaces aspartic acid 1554 with glutamic acid.
Molecular consequence: missense variant.
Genome position (GRCh38, 1-based): chr8:10,609,436, G>C on the plus strand (C>G on the coding strand, the complement: RP1L1 is on the minus strand). VCF-style: chr8-10609436-G-C. GRCh37 (hg19) VCF-style: chr8-10466946-G-C.
Other names: short protein forms D1554E.
Identifiers: ClinVar variation 361270 (VCV000361270.8), dbSNP rs374521681, ClinGen allele CA4623938.

ClinVar aggregate classification (germline): Benign. Review status: criteria provided, single submitter (1 of 4 stars). 3 submissions from 3 submitters: Benign (1). 2 of the submissions do not count toward it. Last evaluated 2018-01-13.

Conditions:
Occult macular dystrophy (OCMD). Also called: OMD; OCCULT MACULAR DYSTROPHY, SUSCEPTIBILITY TO. Identifiers: Orphanet 247834, MedGen C3150833, MONDO:0013316, OMIM 613587, HP:0030636.

Allele frequency attached by ClinVar (database versions not stated): ESP Exome Variant Server 0.00008; TOPMed 0.00012; ExAC 0.00296; 1000 Genomes Project 30x 0.00422; 1000 Genomes Project 0.00499.
gnomAD v4.1: 1,757 of 1,612,408 alleles (0.11%); highest among the groups gnomAD compares: South Asian, 1.8%; 38 homozygotes.

Submissions (3):

Illumina Laboratory Services, Illumina
Classification: Benign for Occult macular dystrophy. Last evaluated: 2018-01-13. Review status: criteria provided, single submitter. Criteria: ICSL Variant Classification Criteria 13 December 2019. Collection method: clinical testing. Allele origin: germline.
Comment: This variant was observed in the ICSL laboratory as part of a predisposition screen in an ostensibly healthy population. It had not been previously curated by ICSL or reported in the Human Gene Mutation Database (HGMD: prior to June 1st, 2018), and was therefore a candidate for classification through an automated scoring system. Utilizing variant allele frequency, disease prevalence and penetrance estimates, and inheritance mode, an automated score was calculated to assess if this variant is too frequent to cause the disease. Based on the score and internal cut-off values, a variant classified as benign is not then subjected to further curation. The score for this variant resulted in a classification of benign for this disease.

Clinical Genetics DNA and cytogenetics Diagnostics Lab, Erasmus MC, Erasmus Medical Center
Classification: Benign. Review status: no assertion criteria provided. Collection method: clinical testing. Allele origin: germline. Affected: yes. Study: VKGL Data-share Consensus. Not counted in ClinVar's aggregate classification.

Clinical Genetics, Academic Medical Center
Classification: Benign. Review status: no assertion criteria provided. Collection method: clinical testing. Allele origin: germline. Affected: yes. Study: VKGL Data-share Consensus. Not counted in ClinVar's aggregate classification.